The following is an entry in ClinVar:

ClinVar aggregate classification (germline): Pathogenic (1 of 4 stars; one submission).

Conditions:
Nephronophthisis. Also called: Juvenile Nephronophthisis. Identifiers: Orphanet 655, MedGen C0687120, MONDO:0019005, HP:0000090.

gnomAD v4.1: 1 of 1,613,542 alleles (0.000062%); highest among the groups gnomAD compares: Non-Finnish European, 0.000085%; no homozygotes.

Submission:

Labcorp Genetics (formerly Invitae), Labcorp
Classification: Pathogenic for Nephronophthisis. Last evaluated: 2025-11-19. Review status: criteria provided, single submitter. Criteria: Invitae Variant Classification Sherloc (09022015). Collection method: clinical testing. Allele origin: germline.
Comment: This sequence change affects an acceptor splice site in intron 11 of the NPHP1 gene. It is expected to disrupt RNA splicing. Variants that disrupt the donor or acceptor splice site typically lead to a loss of protein function (PMID: 16199547), and loss-of-function variants in NPHP1 are known to be pathogenic (PMID: 23559409). This variant is not present in population databases (gnomAD no frequency). Disruption of this splice site has been observed in individual(s) with clinical features of nephronophthisis (PMID: 23559409, 37230223; internal data). In at least one individual the data is consistent with being in trans (on the opposite chromosome) from a pathogenic variant. Algorithms developed to predict the effect of sequence changes on RNA splicing suggest that this variant may disrupt the consensus splice site. For these reasons, this variant has been classified as Pathogenic.

Literature cited by the submitters: PubMed 16199547; PubMed 23559409; PubMed 37230223.

NM_001128178.3(NPHP1):c.1084-2A>G

Genes: NPHP1 (nephrocystin 1; minus strand), LOC126806306 (P300/CBP strongly-dependent group 1 enhancer GRCh37_chr2:110906815-110908014; plus strand). Cytogenetic location: 2q13.
Variant type: single nucleotide variant.
Coding change: c.1084-2A>G on transcript NM_001128178.3 (MANE Select); the canonical splice acceptor site of the intron before coding-DNA position 1084, A replaced by G.
Molecular consequence: splice acceptor variant.
Genome position (GRCh38, 1-based): chr2:110,150,258, T>C on the plus strand (A>G on the coding strand, the complement: NPHP1 is on the minus strand). VCF-style: chr2-110150258-T-C. GRCh37 (hg19) VCF-style: chr2-110907835-T-C.
Other names: c.1252-2A>G (NM_000272.5); c.895-2A>G (NM_001128179.3); c.1081-2A>G (NM_001374256.1); c.1084-2A>G (NM_001374257.1); c.1249-2A>G (NM_207181.4).
Identifiers: ClinVar variation 4710704 (VCV004710704.1).
Genomic context (GRCh38, chr2:110,150,258, plus strand): 5'-CATGTTTTGGGCTTTTTAGGTTGCCATGTGGCTCTGACTGTATGAATGTTGCTCAGAACC[T>C]GAAATGAGATTTTCCCTTTTGAAATCATGTAAAAAGCTCTTTGAAATGTCACCATTTCCA-3'